The following is an entry in ClinVar:

NM_006261.5(PROP1):c.129C>A (p.Cys43Ter)

Gene: PROP1 (PROP paired-like homeobox 1; minus strand). Cytogenetic location: 5q35.3.
Variant type: single nucleotide variant.
Coding change: c.129C>A on transcript NM_006261.5 (MANE Select); coding-DNA position 129, C replaced by A.
Protein change: p.Cys43Ter; replaces cysteine 43 with a stop codon.
Molecular consequence: nonsense.
Genome position (GRCh38, 1-based): chr5:177,994,319, G>T on the plus strand (C>A on the coding strand, the complement: PROP1 is on the minus strand). VCF-style: chr5-177994319-G-T. GRCh37 (hg19) VCF-style: chr5-177421320-G-T.
Other names: short protein forms C43*.
Identifiers: ClinVar variation 2694409 (VCV002694409.3), dbSNP rs2480288389, ClinGen allele CA362379366.

ClinVar aggregate classification (germline): Pathogenic (1 of 4 stars; one submission).

Submission:

Labcorp Genetics (formerly Invitae), Labcorp
Classification: Pathogenic. Last evaluated: 2023-11-08. Review status: criteria provided, single submitter. Criteria: Invitae Variant Classification Sherloc (09022015). Collection method: clinical testing. Allele origin: germline.
Comment: This sequence change creates a premature translational stop signal (p.Cys43*) in the PROP1 gene. It is expected to result in an absent or disrupted protein product. Loss-of-function variants in PROP1 are known to be pathogenic (PMID: 9462743, 9745452). This variant is not present in population databases (gnomAD no frequency). This variant has not been reported in the literature in individuals affected with PROP1-related conditions. For these reasons, this variant has been classified as Pathogenic.

Literature cited by the submitters: PubMed 9462743; PubMed 9745452.